The following is an entry in ClinVar:

NM_006440.5(TXNRD2):c.1182T>C (p.Asn394=)

Gene: TXNRD2 (thioredoxin reductase 2; minus strand). Cytogenetic location: 22q11.21.
Variant type: single nucleotide variant.
Coding change: c.1182T>C on transcript NM_006440.5 (MANE Select); coding-DNA position 1182, T replaced by C.
Protein change: p.Asn394=; no amino-acid change (asparagine 394 retained).
Molecular consequence: synonymous variant. On other transcripts: non-coding transcript variant (1).
Genome position (GRCh38, 1-based): chr22:19,880,622, A>G on the plus strand (T>C on the coding strand, the complement: TXNRD2 is on the minus strand). VCF-style: chr22-19880622-A-G. GRCh37 (hg19) VCF-style: chr22-19868145-A-G.
Other names: c.1179T>C, p.Asn393= (NM_001352300.2); c.1092T>C, p.Asn364= (NM_001352301.2); c.894T>C, p.Asn298= (NM_001352302.2).
Identifiers: ClinVar variation 1017380 (VCV001017380.9), dbSNP rs1938724361, ClinGen allele CA513361610.
Genomic context (GRCh38, chr22:19,880,622, plus strand): 5'-GAGCTAGCCTCGAACTCAGCCTGTCCTAGGCTGCACGTGGCGTCCTGCTAGAGAACTCAC[A>G]TTGTCGTAGTCCATCAGATCTGAGGACCCGCCGAAGAGCCGCTGCACCAGGAGCCTCCCG-3'
Protein context (NP_006431.2, residues 384-404): GGSSDLMDYD[Asn394=]VPTTVFTPLE

ClinVar aggregate classification (germline): Uncertain significance (1 of 4 stars; one submission).

Conditions:
Primary dilated cardiomyopathy (DCM). Also called: Dilated Cardiomyopathy. Identifiers: Orphanet 217604, MedGen C0007193, MeSH D002311, MONDO:0005021, HP:0001644. Inheritance: Various modes of inheritance.

Allele frequency attached by ClinVar (database versions not stated): gnomAD exomes below 0.00001.
gnomAD v4.1: 2 of 1,613,166 alleles (0.00012%); highest among the groups gnomAD compares: Non-Finnish European, 0.00017%; no homozygotes.

Submission:

Labcorp Genetics (formerly Invitae), Labcorp
Classification: Uncertain significance for Primary dilated cardiomyopathy. Last evaluated: 2020-06-08. Review status: criteria provided, single submitter. Criteria: Invitae Variant Classification Sherloc (09022015). Collection method: clinical testing. Allele origin: germline.
Comment: This sequence change affects codon 394 of the TXNRD2 mRNA. It is a 'silent' change, meaning that it does not change the encoded amino acid sequence of the TXNRD2 protein. This variant is not present in population databases (ExAC no frequency). This variant has not been reported in the literature in individuals with TXNRD2-related conditions. Algorithms developed to predict the effect of sequence changes on RNA splicing suggest that this variant is not likely to affect RNA splicing, but this prediction has not been confirmed by published transcriptional studies. In summary, the available evidence is currently insufficient to determine the role of this variant in disease. Therefore, it has been classified as a Variant of Uncertain Significance.